The following is an entry in ClinVar:

NM_004562.3(PRKN):c.1205G>A (p.Arg402His)

Gene: PRKN (parkin RBR E3 ubiquitin protein ligase; minus strand). Cytogenetic location: 6q26.
Variant type: single nucleotide variant.
Coding change: c.1205G>A on transcript NM_004562.3 (MANE Select); coding-DNA position 1205, G replaced by A.
Protein change: p.Arg402His; replaces arginine 402 with histidine.
Molecular consequence: missense variant.
Genome position (GRCh38, 1-based): chr6:161,360,168, C>T on the plus strand (G>A on the coding strand, the complement: PRKN is on the minus strand). VCF-style: chr6-161360168-C-T. GRCh37 (hg19) VCF-style: chr6-161781200-C-T.
Other names: c.1121G>A, p.Arg374His (NM_013987.3); c.758G>A, p.Arg253His (NM_013988.3); short protein forms R253H, R374H, R402H.
Identifiers: ClinVar variation 903817 (VCV000903817.6), dbSNP rs766915327, ClinGen allele CA4089978.

ClinVar aggregate classification (germline): Uncertain significance. Review status: criteria provided, multiple submitters, no conflicts (2 of 4 stars). 3 submissions from 3 submitters: Uncertain significance (3). Last evaluated 2023-01-13.

Conditions:
Autosomal recessive juvenile Parkinson disease 2. Also called: Parkinson disease autosomal recessive, early onset; Juvenile parkinsonism; Parkinsonism, early onset, with diurnal fluctuation; PARKINSON DISEASE, JUVENILE, AUTOSOMAL RECESSIVE; Parkinson disease, juvenile, type 2; PRKN-Related Early-Onset Parkinson Disease. Identifiers: Orphanet 2828, MedGen C1868675, MONDO:0010820, OMIM 600116.
Ovarian cancer. Also called: OVARIAN CANCER, SOMATIC. Identifiers: Orphanet 213500, MedGen C1140680, MONDO:0008170, OMIM 167000.
Lung cancer. Also called: Lung cancer, somatic; Malignant tumor of lung. Identifiers: MedGen C0242379, MONDO:0008903, OMIM 211980.

Allele frequency attached by ClinVar (database versions not stated): ExAC 0.00004; TOPMed 0.00004.
gnomAD v4.1: 87 of 1,614,164 alleles (0.0054%); highest among the groups gnomAD compares: South Asian, 0.049%; no homozygotes.

Submissions (3):

Department of Pathology and Laboratory Medicine, Sinai Health System
Classification: Uncertain significance for Autosomal recessive juvenile Parkinson disease 2; Lung cancer; Ovarian cancer. Last evaluated: 2023-01-13. Review status: criteria provided, single submitter. Criteria: ACMG Guidelines, 2015. Collection method: research. Allele origin: germline.

Labcorp Genetics (formerly Invitae), Labcorp
Classification: Uncertain significance. Last evaluated: 2022-01-11. Review status: criteria provided, single submitter. Criteria: Invitae Variant Classification Sherloc (09022015). Collection method: clinical testing. Allele origin: germline.
Comment: This sequence change replaces arginine, which is basic and polar, with histidine, which is basic and polar, at codon 402 of the PRKN protein (p.Arg402His). This variant is present in population databases (rs766915327, gnomAD 0.04%). This missense change has been observed in individual(s) with Parkinson disease (PMID: 16769863, 32870915). ClinVar contains an entry for this variant (Variation ID: 903817). Algorithms developed to predict the effect of missense changes on protein structure and function are either unavailable or do not agree on the potential impact of this missense change (SIFT: "Deleterious"; PolyPhen-2: "Probably Damaging"; Align-GVGD: "Class C0"). In summary, the available evidence is currently insufficient to determine the role of this variant in disease. Therefore, it has been classified as a Variant of Uncertain Significance.

Illumina Laboratory Services, Illumina
Classification: Uncertain significance for Autosomal recessive juvenile Parkinson disease 2. Last evaluated: 2017-11-20. Review status: criteria provided, single submitter. Criteria: ICSL Variant Classification Criteria 13 December 2019. Collection method: clinical testing. Allele origin: germline.
Comment: This variant was observed as part of a predisposition screen in an ostensibly healthy population. A literature search was performed for the gene, cDNA change, and amino acid change (where applicable). Publications were found based on this search. However, the evidence from the literature, in combination with allele frequency data from public databases where available, was not sufficient to rule this variant in or out of causing disease. Therefore, this variant is classified as a variant of unknown significance.

Literature cited by the submitters: PubMed 16769863 (cited by Labcorp Genetics (formerly Invitae), Labcorp and Illumina Laboratory Services, Illumina); PubMed 32870915 (cited by Labcorp Genetics (formerly Invitae), Labcorp); PubMed 23727886 (cited by Illumina Laboratory Services, Illumina); PubMed 27094865 (cited by Illumina Laboratory Services, Illumina); PubMed 17415800 (cited by Illumina Laboratory Services, Illumina).